The following is an entry in ClinVar:

NM_000038.6(APC):c.5077G>T (p.Glu1693Ter)

Gene: APC (APC regulator of Wnt signaling pathway; plus strand). Cytogenetic location: 5q22.2.
Variant type: single nucleotide variant.
Coding change: c.5077G>T on transcript NM_000038.6 (MANE Select); coding-DNA position 5077, G replaced by T.
Protein change: p.Glu1693Ter; replaces glutamic acid 1693 with a stop codon.
Molecular consequence: nonsense. On other transcripts: non-coding transcript variant (2).
Genome position (GRCh38, 1-based): chr5:112,840,671, G>T. VCF-style: chr5-112840671-G-T. GRCh37 (hg19) VCF-style: chr5-112176368-G-T.
Other names: c.5077G>T, p.Glu1693Ter (NM_001127510.3, NM_001354895.2, NM_001407450.1); c.5023G>T, p.Glu1675Ter (NM_001127511.3); c.5131G>T, p.Glu1711Ter (NM_001354896.2, NM_001407447.1, NM_001407448.1 and 1 more transcripts); c.5107G>T, p.Glu1703Ter (NM_001354897.2); c.5002G>T, p.Glu1668Ter (NM_001354898.2); c.4993G>T, p.Glu1665Ter (NM_001354899.2); c.4954G>T, p.Glu1652Ter (NM_001354900.2); c.4900G>T, p.Glu1634Ter (NM_001354901.2, NM_001407453.1); and 11 more; short protein forms E1309*, E1410*, E1533*, E1564*, E1567*, E1592*, E1602*, E1610*.
Identifiers: ClinVar variation 3772920 (VCV003772920.1).
Genomic context (GRCh38, chr5:112,840,671, plus strand): 5'-GAAGGAGTTAGAGGAGGGGCACAGTCAGGTGAATTTGAAAAACGAGATACCATTCCTACA[G>T]AAGGCAGAAGTACAGATGAGGCTCAAGGAGGAAAAACCTCATCTGTAACCATACCTGAAT-3'

ClinVar aggregate classification (germline): Pathogenic (1 of 4 stars; one submission).

Conditions:
Familial adenomatous polyposis 1 (FAP1). Also called: POLYPOSIS, ADENOMATOUS INTESTINAL; FAMILIAL ADENOMATOUS POLYPOSIS 1, ATTENUATED. Identifiers: MedGen C2713442, MONDO:0021056, OMIM 175100. Disease mechanism: loss of function.

Submission:

Myriad Genetics, Inc.
Classification: Pathogenic for Familial adenomatous polyposis 1. Last evaluated: 2024-11-12. Review status: criteria provided, single submitter. Criteria: Myriad Autosomal Dominant, Autosomal Recessive and X-Linked Classification Criteria (2023). Collection method: clinical testing. Allele origin: unknown.
Comment: This variant is considered pathogenic. This variant creates a termination codon and is predicted to result in premature protein truncation.